The following is an entry in ClinVar:

ClinVar aggregate classification (germline): Pathogenic. Review status: criteria provided, multiple submitters, no conflicts (2 of 4 stars). 4 submissions from 4 submitters: Pathogenic (3). 1 of the submissions does not count toward it. Last evaluated 2024-08-29.

Conditions:
BEST1-related disorder. Also called: BEST1-related condition; BEST1-related disorders. Identifiers: MedGen CN239200.
Retinal dystrophy. Also called: Inherited retinal dystrophy. Identifiers: Orphanet 71862, MedGen C0854723, MeSH D058499, MONDO:0019118, HP:0000556.
Autosomal dominant vitreoretinochoroidopathy. Also called: Autosomal Dominant Vitreoretinochoroidopathy (ADVIRC); VITREORETINOCHOROIDOPATHY WITH MICROCORNEA, GLAUCOMA, AND CATARACT; VITREORETINOCHOROIDOPATHY, AUTOSOMAL DOMINANT, WITH NANOPHTHALMOS. Identifiers: Orphanet 263347, Orphanet 3086, MedGen C3888099, MONDO:0008662, OMIM 193220.

Submissions (4):

Labcorp Genetics (formerly Invitae), Labcorp
Classification: Pathogenic. Last evaluated: 2024-08-29. Review status: criteria provided, single submitter. Criteria: Invitae Variant Classification Sherloc (09022015). Collection method: clinical testing. Allele origin: germline.
Comment: This sequence change replaces valine, which is neutral and non-polar, with methionine, which is neutral and non-polar, at codon 86 of the BEST1 protein (p.Val86Met). This variant is not present in population databases (gnomAD no frequency). This missense change has been observed in individuals with autosomal dominant vitreoretinochoroidopathy (PMID: 15452077, 21072067, 26771239). It has also been observed to segregate with disease in related individuals. ClinVar contains an entry for this variant (Variation ID: 2744). Invitae Evidence Modeling of protein sequence and biophysical properties (such as structural, functional, and spatial information, amino acid conservation, physicochemical variation, residue mobility, and thermodynamic stability) indicates that this missense variant is expected to disrupt BEST1 protein function with a positive predictive value of 95%. Experimental studies are conflicting or provide insufficient evidence to determine the effect of this variant on BEST1 function (PMID: 15452077). This variant disrupts the p.Val86 amino acid residue in BEST1. Other variant(s) that disrupt this residue have been determined to be pathogenic (internal data). This suggests that this residue is clinically significant, and that variants that disrupt this residue are likely to be disease-causing. For these reasons, this variant has been classified as Pathogenic.

Institute of Human Genetics, Univ. Regensburg, Univ. Regensburg
Classification: Pathogenic for Retinal dystrophy. Last evaluated: 2022-01-01. Review status: criteria provided, single submitter. Criteria: ACMG Guidelines, 2015. Collection method: clinical testing. Allele origin: germline. Affected: yes.

Blueprint Genetics
Classification: Pathogenic for BEST1-related disorders. Last evaluated: 2018-12-14. Review status: criteria provided, single submitter. Criteria: ACMG Guidelines, 2015. Collection method: clinical testing. Allele origin: germline. Affected: yes. Observed: 2 variant alleles.

OMIM
Classification: Pathogenic for VITREORETINOCHOROIDOPATHY. Last evaluated: 2004-10-01. Review status: no assertion criteria provided. Collection method: literature only. Allele origin: germline. Not counted in ClinVar's aggregate classification.

Literature cited by the submitters: PubMed 15452077 (cited by 3 submitters); PubMed 21072067 (cited by Labcorp Genetics (formerly Invitae), Labcorp and Institute of Human Genetics, Univ. Regensburg, Univ. Regensburg); PubMed 26771239 (cited by Labcorp Genetics (formerly Invitae), Labcorp and Institute of Human Genetics, Univ. Regensburg, Univ. Regensburg); PubMed 24560797 (cited by Institute of Human Genetics, Univ. Regensburg, Univ. Regensburg); PubMed 11585313 (cited by OMIM); PubMed 13534955 (cited by OMIM).

NM_004183.4(BEST1):c.256G>A (p.Val86Met)

Gene: BEST1 (bestrophin 1; plus strand). Cytogenetic location: 11q12.3.
Variant type: single nucleotide variant.
Coding change: c.256G>A on transcript NM_004183.4 (MANE Select); coding-DNA position 256, G replaced by A.
Protein change: p.Val86Met; replaces valine 86 with methionine.
Molecular consequence: missense variant. On other transcripts: non-coding transcript variant (1).
Genome position (GRCh38, 1-based): chr11:61,955,726, G>A. VCF-style: chr11-61955726-G-A. GRCh37 (hg19) VCF-style: chr11-61723198-G-A.
Other names: c.76G>A, p.Val26Met (NM_001139443.3, NM_001300786.2, NM_001300787.2); c.-63G>A (NM_001363591.3); c.256G>A, p.Val86Met (NM_001363592.2); c.-920G>A (NM_001363593.3); short protein forms V86M, V26M.
Identifiers: ClinVar variation 2744 (VCV000002744.11), dbSNP rs121918289, ClinGen allele CA115729.